The following is an entry in ClinVar:

ClinVar aggregate classification (germline): Likely benign. Review status: criteria provided, multiple submitters, no conflicts (2 of 4 stars). 3 submissions from 3 submitters: Likely benign (3). Last evaluated 2025-08-08.

Conditions:
Hereditary cancer-predisposing syndrome. Also called: Hereditary neoplastic syndrome; Hereditary Cancer Syndrome; Neoplastic Syndromes, Hereditary; Tumor predisposition. Identifiers: Orphanet 140162, MedGen C0027672, MeSH D009386, MONDO:0015356.
Tuberous sclerosis syndrome (TSC). Also called: Tuberous Sclerosis Complex; Tuberous sclerosis. Identifiers: Orphanet 805, MedGen C0041341, MONDO:0001734.
Tuberous sclerosis 2 (TSC2). Identifiers: Orphanet 805, MedGen C1860707, MONDO:0013199, OMIM 613254.

Submissions (3):

Ambry Genetics
Classification: Likely benign for Hereditary cancer-predisposing syndrome. Last evaluated: 2025-08-08. Review status: criteria provided, single submitter. Criteria: Ambry Variant Classification Scheme 2023. Collection method: clinical testing. Allele origin: germline.

All of Us Research Program, National Institutes of Health
Classification: Likely benign for Tuberous sclerosis syndrome. Last evaluated: 2023-11-02. Review status: criteria provided, single submitter. Criteria: ACMG Guidelines, 2015. Collection method: clinical testing. Allele origin: germline. Inheritance: Autosomal dominant inheritance. Observed: 2 variant alleles, 2 heterozygotes.
Comment: This study involves interpretation of variants in research participants for the purpose of population health screening. Participant phenotype was not available at the time of variant classification. Additional details can be found in publication PMID: 35346344, PMCID: PMC8962531

Labcorp Genetics (formerly Invitae), Labcorp
Classification: Likely benign for Tuberous sclerosis 2. Last evaluated: 2023-09-04. Review status: criteria provided, single submitter. Criteria: Invitae Variant Classification Sherloc (09022015). Collection method: clinical testing. Allele origin: germline.

NM_000548.5(TSC2):c.4818C>T (p.Phe1606=)

Gene: TSC2 (TSC complex subunit 2; plus strand). Cytogenetic location: 16p13.3.
Variant type: single nucleotide variant.
Coding change: c.4818C>T on transcript NM_000548.5 (MANE Select); coding-DNA position 4818, C replaced by T.
Protein change: p.Phe1606=; no amino-acid change (phenylalanine 1606 retained).
Molecular consequence: synonymous variant. On other transcripts: non-coding transcript variant (5).
Genome position (GRCh38, 1-based): chr16:2,086,348, C>T. VCF-style: chr16-2086348-C-T. GRCh37 (hg19) VCF-style: chr16-2136349-C-T.
Other names: c.4617C>T, p.Phe1539= (NM_001077183.3); c.4749C>T, p.Phe1583= (NM_001114382.3); c.4509C>T, p.Phe1503= (NM_001318827.2); c.4473C>T, p.Phe1491= (NM_001318829.2); c.4086C>T, p.Phe1362= (NM_001318831.2); c.4650C>T, p.Phe1550= (NM_001318832.2); c.4620C>T, p.Phe1540= (NM_001363528.2); c.4686C>T, p.Phe1562= (NM_001370404.1); and 26 more.
Identifiers: ClinVar variation 3004892 (VCV003004892.5), dbSNP rs2151575594, ClinGen allele CA493043585.